The following is an entry in ClinVar:

ClinVar aggregate classification (germline): Benign/Likely benign. Review status: criteria provided, multiple submitters, no conflicts (2 of 4 stars). 3 submissions from 3 submitters: Benign (1); Likely benign (2). Last evaluated 2026-02-03.

Allele frequency attached by ClinVar (database versions not stated): gnomAD exomes 0.00014 and 0.00043; ExAC 0.00060; 1000 Genomes Project 30x 0.00156; gnomAD 0.00196 and 0.00179; ESP Exome Variant Server 0.00225; 1000 Genomes Project 0.00180; TOPMed 0.00190.
gnomAD v4.1: 475 of 1,588,752 alleles (0.03%); highest among the groups gnomAD compares: African/African-American, 0.61%; 3 homozygotes.

Submissions (3):

Labcorp Genetics (formerly Invitae), Labcorp
Classification: Benign. Last evaluated: 2026-02-03. Review status: criteria provided, single submitter. Criteria: Invitae Variant Classification Sherloc (09022015). Collection method: clinical testing. Allele origin: germline.

Blueprint Genetics
Classification: Likely benign. Last evaluated: 2023-12-05. Review status: criteria provided, single submitter. Criteria: ACMG Guidelines, 2015. Collection method: clinical testing. Allele origin: germline.

CeGaT Center for Human Genetics Tuebingen
Classification: Likely benign. Last evaluated: 2023-12-01. Review status: criteria provided, single submitter. Criteria: CeGaT Center For Human Genetics Tuebingen Variant Classification Criteria Version 2. Collection method: clinical testing. Allele origin: germline. Affected: yes. Observed: 2 variant alleles.
Comment: CRADD: BP4, BP7

NM_003805.5(CRADD):c.597G>A (p.Glu199=)

Gene: CRADD (CARD and death domain containing adaptor protein; plus strand). Cytogenetic location: 12q22.
Variant type: single nucleotide variant.
Coding change: c.597G>A on transcript NM_003805.5 (MANE Select); coding-DNA position 597, G replaced by A.
Protein change: p.Glu199=; no amino-acid change (glutamic acid 199 retained).
Molecular consequence: synonymous variant. On other transcripts: intron variant (1).
Genome position (GRCh38, 1-based): chr12:93,850,268, G>A. VCF-style: chr12-93850268-G-A. GRCh37 (hg19) VCF-style: chr12-94244044-G-A.
Other names: c.597G>A, p.Glu199= (NM_001320099.2); c.299-43782G>A (NM_001320100.2).
Identifiers: ClinVar variation 740966 (VCV000740966.33), dbSNP rs116316289, ClinGen allele CA6720262.